The following is an entry in ClinVar:

NM_004260.4(RECQL4):c.2836C>T (p.Arg946Cys)

Gene: RECQL4 (RecQ like helicase 4; minus strand). Cytogenetic location: 8q24.3.
Variant type: single nucleotide variant.
Coding change: c.2836C>T on transcript NM_004260.4 (MANE Select); coding-DNA position 2836, C replaced by T.
Protein change: p.Arg946Cys; replaces arginine 946 with cysteine.
Molecular consequence: missense variant.
Genome position (GRCh38, 1-based): chr8:144,512,691, G>A on the plus strand (C>T on the coding strand, the complement: RECQL4 is on the minus strand). VCF-style: chr8-144512691-G-A. GRCh37 (hg19) VCF-style: chr8-145738074-G-A.
Other names: short protein forms R946C.
Identifiers: ClinVar variation 649416 (VCV000649416.10), dbSNP rs763161407, ClinGen allele CA4948059.

ClinVar aggregate classification (germline): Uncertain significance. Review status: criteria provided, multiple submitters, no conflicts (2 of 4 stars). 3 submissions from 3 submitters: Uncertain significance (2). 1 of the submissions does not count toward it. Last evaluated 2025-07-31.

Conditions:
RECQL4-related disorder. Also called: RECQL4-related condition; RECQL4-related disorders.
Inborn genetic diseases. Identifiers: MedGen C0950123, MeSH D030342.
Baller-Gerold syndrome (BGS). Also called: CRANIOSYNOSTOSIS WITH RADIAL DEFECTS. Identifiers: Orphanet 1225, MedGen C0265308, MONDO:0009039, OMIM 218600.

Allele frequency attached by ClinVar (database versions not stated): ExAC 0.00001; gnomAD exomes 0.00001 and 0.00002; gnomAD 0.00003 and 0.00004; TOPMed 0.00003.
gnomAD v4.1: 27 of 1,612,420 alleles (0.0017%); highest among the groups gnomAD compares: African/African-American, 0.004%; no homozygotes.

Submissions (3):

Labcorp Genetics (formerly Invitae), Labcorp
Classification: Uncertain significance for Baller-Gerold syndrome. Last evaluated: 2025-07-31. Review status: criteria provided, single submitter. Criteria: Invitae Variant Classification Sherloc (09022015). Collection method: clinical testing. Allele origin: germline.
Comment: This sequence change replaces arginine, which is basic and polar, with cysteine, which is neutral and slightly polar, at codon 946 of the RECQL4 protein (p.Arg946Cys). This variant is present in population databases (rs763161407, gnomAD 0.005%). This variant has not been reported in the literature in individuals affected with RECQL4-related conditions. ClinVar contains an entry for this variant (Variation ID: 649416). Invitae Evidence Modeling of protein sequence and biophysical properties (such as structural, functional, and spatial information, amino acid conservation, physicochemical variation, residue mobility, and thermodynamic stability) indicates that this missense variant is not expected to disrupt RECQL4 protein function with a negative predictive value of 80%. In summary, the available evidence is currently insufficient to determine the role of this variant in disease. Therefore, it has been classified as a Variant of Uncertain Significance.

Ambry Genetics
Classification: Uncertain significance for Inborn genetic diseases. Last evaluated: 2024-12-04. Review status: criteria provided, single submitter. Criteria: Ambry Variant Classification Scheme 2023. Collection method: clinical testing. Allele origin: germline.
Comment: The p.R946C variant (also known as c.2836C>T), located in coding exon 16 of the RECQL4 gene, results from a C to T substitution at nucleotide position 2836. The arginine at codon 946 is replaced by cysteine, an amino acid with highly dissimilar properties. This amino acid position is conserved. Based on the available evidence, the clinical significance of this variant remains unclear.

PreventionGenetics, part of Exact Sciences
Classification: Uncertain significance for RECQL4-related condition. Last evaluated: 2024-09-13. Review status: no assertion criteria provided. Collection method: clinical testing. Allele origin: germline. Not counted in ClinVar's aggregate classification.
Comment: The RECQL4 c.2836C>T variant is predicted to result in the amino acid substitution p.Arg946Cys. To our knowledge, this variant has not been reported in the literature. This variant is reported in 0.0047% of alleles in individuals of European (Finnish) descent in gnomAD. This variant has an interpretation of uncertain significance in ClinVar. At this time, the clinical significance of this variant is uncertain due to the absence of conclusive functional and genetic evidence.